The following is an entry in ClinVar:

ClinVar aggregate classification (germline): Likely benign (1 of 4 stars; one submission).

Submission:

CeGaT Center for Human Genetics Tuebingen
Classification: Likely benign. Last evaluated: 2025-04-01. Review status: criteria provided, single submitter. Criteria: CeGaT Center For Human Genetics Tuebingen Variant Classification Criteria Version 2. Collection method: clinical testing. Allele origin: germline. Affected: yes. Observed: 1 variant allele.
Comment: GOLGA2: BP4, BS1

NM_001366244.2(GOLGA2):c.383C>T (p.Ala128Val)

Gene: GOLGA2 (golgin A2; minus strand). Cytogenetic location: 9q34.11.
Variant type: single nucleotide variant.
Coding change: c.383C>T on transcript NM_001366244.2 (MANE Select); coding-DNA position 383, C replaced by T.
Protein change: p.Ala128Val; replaces alanine 128 with valine.
Molecular consequence: missense variant. On other transcripts: intron variant (3).
Genome position (GRCh38, 1-based): chr9:128,268,430, G>A on the plus strand (C>T on the coding strand, the complement: GOLGA2 is on the minus strand). VCF-style: chr9-128268430-G-A. GRCh37 (hg19) VCF-style: chr9-131030709-G-A.
Other names: c.383C>T, p.Ala128Val (NM_001366246.2, NM_001389695.2, NM_001389696.2 and 3 more transcripts); c.302C>T, p.Ala101Val (NM_001389700.2, NM_001389701.2, NM_001389703.2 and 1 more transcripts); c.208-2410C>T (NM_001389705.2); c.208-2105C>T (NM_001389704.2); c.208-270C>T (NM_001389702.2); short protein forms A101V, A128V.
Identifiers: ClinVar variation 3905144 (VCV003905144.10).
Genomic context (GRCh38, chr9:128,268,430, plus strand): 5'-TGCATAATAGGTACAGGAGGGCAGTGGGCAGAGGGGGAGGAGGCACGAACCTGAGATGCC[G>A]CCATGCTAGTGAGACTGGCACCAGGGGAAGGGACACCGCCAGGTAACACGGTGTCATCAG-3'
Protein context (NP_001353173.2, residues 118-138): PSPGASLTSM[Ala128Val]ASQNHDADNV